The following is an entry in ClinVar:

ClinVar aggregate classification (germline): Uncertain significance. Review status: criteria provided, multiple submitters, no conflicts (2 of 4 stars). 2 submissions from 2 submitters: Uncertain significance (2). Last evaluated 2024-11-07.

Conditions:
ATP1A3-related disorder. Also called: ATP1A3-related condition; ATP1A3-related disorders. Identifiers: MedGen CN381097.

Submissions (2):

PreventionGenetics, part of Exact Sciences
Classification: Uncertain significance for ATP1A3-related condition. Last evaluated: 2024-11-07. Review status: criteria provided, single submitter. Criteria: ACMG Guidelines, 2015. Collection method: clinical testing. Allele origin: germline.
Comment: The ATP1A3 c.2659G>A variant is predicted to result in the amino acid substitution p.Val887Met. To our knowledge, this variant has not been reported in the literature or in a large population database (gnomAD), indicating this variant is rare. At this time, the clinical significance of this variant is uncertain due to the absence of conclusive functional and genetic evidence.

GeneDx
Classification: Uncertain significance. Last evaluated: 2024-09-11. Review status: criteria provided, single submitter. Criteria: GeneDx Variant Classification Process June 2021. Collection method: clinical testing. Allele origin: germline.
Comment: Not observed at significant frequency in large population cohorts (gnomAD); In silico analysis indicates that this missense variant does not alter protein structure/function; Has not been previously published as pathogenic or benign to our knowledge

NM_152296.5(ATP1A3):c.2620G>A (p.Val874Met)

Gene: ATP1A3 (ATPase Na+/K+ transporting subunit alpha 3; minus strand). Cytogenetic location: 19q13.2.
Variant type: single nucleotide variant.
Coding change: c.2620G>A on transcript NM_152296.5 (MANE Select); coding-DNA position 2620, G replaced by A.
Protein change: p.Val874Met; replaces valine 874 with methionine.
Molecular consequence: missense variant.
Genome position (GRCh38, 1-based): chr19:41,969,503, C>T on the plus strand (G>A on the coding strand, the complement: ATP1A3 is on the minus strand). VCF-style: chr19-41969503-C-T. GRCh37 (hg19) VCF-style: chr19-42473655-C-T.
Other names: c.2659G>A (NM_001256214.1); c.2653G>A, p.Val885Met (NM_001256213.2); c.2659G>A, p.Val887Met (NM_001256214.2); short protein forms V874M, V885M, V887M.
Identifiers: ClinVar variation 2446224 (VCV002446224.3), dbSNP rs2075079411, ClinGen allele CA406037982.